The following is an entry in ClinVar:

ClinVar aggregate classification (germline): Uncertain significance (1 of 4 stars; one submission).

Conditions:
TTN-related disorder. Also called: TTN-related condition; TTN-related disease; TTN-related disorders.

gnomAD v4.1: 1 of 1,614,086 alleles (0.000062%); highest among the groups gnomAD compares: Middle Eastern, 0.016%; no homozygotes.

Submission:

PreventionGenetics, part of Exact Sciences
Classification: Uncertain significance for TTN-related condition. Last evaluated: 2026-04-29. Review status: criteria provided, single submitter. Criteria: ACMG Guidelines, 2015. Collection method: clinical testing. Allele origin: germline.
Comment: The TTN c.7388T>C variant is predicted to result in the amino acid substitution p.Val2463Ala. To our knowledge, this variant has not been reported in the literature or in a large population database (gnomAD), indicating this variant is rare. At this time, the clinical significance of this variant is uncertain due to the absence of conclusive functional and genetic evidence.

NM_001267550.2(TTN):c.7388T>C (p.Val2463Ala)

Genes: TTN (titin; minus strand), LOC126806433 (BRD4-independent group 4 enhancer GRCh37_chr2:179638309-179639508; plus strand). Cytogenetic location: 2q31.2.
Variant type: single nucleotide variant.
Coding change: c.7388T>C on transcript NM_001267550.2 (MANE Select); coding-DNA position 7388, T replaced by C.
Protein change: p.Val2463Ala; replaces valine 2463 with alanine.
Molecular consequence: missense variant.
Genome position (GRCh38, 1-based): chr2:178,773,668, A>G on the plus strand (T>C on the coding strand, the complement: TTN is on the minus strand). VCF-style: chr2-178773668-A-G. GRCh37 (hg19) VCF-style: chr2-179638395-A-G.
Other names: c.7388T>C, p.Val2463Ala (NM_001256850.1, NM_133378.4, NM_133379.5); c.7250T>C, p.Val2417Ala (NM_003319.4, NM_133432.3, NM_133437.4); short protein forms V2417A, V2463A.
Identifiers: ClinVar variation 4995409 (VCV004995409.1).